The following is an entry in ClinVar:

NM_001166108.2(PALLD):c.1525G>T (p.Ala509Ser)

Gene: PALLD (palladin, cytoskeletal associated protein; plus strand). Cytogenetic location: 4q32.3.
Variant type: single nucleotide variant.
Coding change: c.1525G>T on transcript NM_001166108.2 (MANE Select); coding-DNA position 1525, G replaced by T.
Protein change: p.Ala509Ser; replaces alanine 509 with serine.
Molecular consequence: missense variant.
Genome position (GRCh38, 1-based): chr4:168,709,051, G>T. VCF-style: chr4-168709051-G-T. GRCh37 (hg19) VCF-style: chr4-169630202-G-T.
Other names: c.379G>T, p.Ala127Ser (NM_001166109.2); c.1525G>T, p.Ala509Ser (NM_016081.4); short protein forms A127S, A509S.
Identifiers: ClinVar variation 2447256 (VCV002447256.2), dbSNP rs145026144, ClinGen allele CA3135671.

ClinVar aggregate classification (germline): Uncertain significance (1 of 4 stars; one submission).

Allele frequency attached by ClinVar (database versions not stated): ESP Exome Variant Server 0.00023.
gnomAD v4.1: 38 of 1,612,978 alleles (0.0024%); highest among the groups gnomAD compares: African/African-American, 0.0053%; no homozygotes.

Submission:

Ambry Genetics
Classification: Uncertain significance. Last evaluated: 2023-03-02. Review status: criteria provided, single submitter. Criteria: Ambry Variant Classification Scheme 2023. Collection method: clinical testing. Allele origin: germline.
Comment: The p.A509S variant (also known as c.1525G>T), located in coding exon 8 of the PALLD gene, results from a G to T substitution at nucleotide position 1525. The alanine at codon 509 is replaced by serine, an amino acid with similar properties. This amino acid position is conserved. In addition, this alteration is predicted to be tolerated by in silico analysis. Since supporting evidence is limited at this time, the clinical significance of this alteration remains unclear.